The following is an entry in ClinVar:

ClinVar aggregate classification (germline): Uncertain significance (1 of 4 stars; one submission).

Conditions:
Distal hereditary motor neuropathy type 2. Identifiers: Orphanet 139525, MedGen C3711384, MeSH C580044, MONDO:0015352.

gnomAD v4.1: 6 of 1,612,500 alleles (0.00037%); highest among the groups gnomAD compares: African/African-American, 0.008%; no homozygotes.

Submission:

Labcorp Genetics (formerly Invitae), Labcorp
Classification: Uncertain significance for Distal hereditary motor neuropathy type 2. Last evaluated: 2024-10-09. Review status: criteria provided, single submitter. Criteria: Invitae Variant Classification Sherloc (09022015). Collection method: clinical testing. Allele origin: germline.
Comment: This sequence change replaces threonine, which is neutral and polar, with alanine, which is neutral and non-polar, at codon 157 of the FBXO38 protein (p.Thr157Ala). This variant is present in population databases (rs539415665, gnomAD 0.007%). This variant has not been reported in the literature in individuals affected with FBXO38-related conditions. Invitae Evidence Modeling of protein sequence and biophysical properties (such as structural, functional, and spatial information, amino acid conservation, physicochemical variation, residue mobility, and thermodynamic stability) indicates that this missense variant is not expected to disrupt FBXO38 protein function with a negative predictive value of 80%. In summary, the available evidence is currently insufficient to determine the role of this variant in disease. Therefore, it has been classified as a Variant of Uncertain Significance.

NM_205836.3(FBXO38):c.469A>G (p.Thr157Ala)

Gene: FBXO38 (F-box protein 38; plus strand). Cytogenetic location: 5q32.
Variant type: single nucleotide variant.
Coding change: c.469A>G on transcript NM_205836.3 (MANE Select); coding-DNA position 469, A replaced by G.
Protein change: p.Thr157Ala; replaces threonine 157 with alanine.
Molecular consequence: missense variant.
Genome position (GRCh38, 1-based): chr5:148,402,390, A>G. VCF-style: chr5-148402390-A-G. GRCh37 (hg19) VCF-style: chr5-147781953-A-G.
Other names: c.469A>G, p.Thr157Ala (NM_001271723.2, NM_030793.5); short protein forms T157A.
Identifiers: ClinVar variation 3718021 (VCV003718021.2).
Genomic context (GRCh38, chr5:148,402,390, plus strand): 5'-TTTGGCATTATTTTCTAGGGTGTGGAAACTTCTCATTTGGAGTTGGTAGAATCCATTTGG[A>G]CATATATGCCCCATGTTCATATTTTGGGGAAATTTCGTAATCGTAATGGAGCTTTTCCAA-3'
Protein context (NP_995308.1, residues 147-167): SHLELVESIW[Thr157Ala]YMPHVHILGK